The following is an entry in ClinVar:

NM_000530.8(MPZ):c.234G>T (p.Ser78=)

Gene: MPZ (myelin protein zero; minus strand). Cytogenetic location: 1q23.3.
Variant type: single nucleotide variant.
Coding change: c.234G>T on transcript NM_000530.8 (MANE Select); coding-DNA position 234, G replaced by T.
Protein change: p.Ser78=; no amino-acid change (serine 78 retained).
Molecular consequence: synonymous variant.
Genome position (GRCh38, 1-based): chr1:161,307,258, C>A on the plus strand (G>T on the coding strand, the complement: MPZ is on the minus strand). VCF-style: chr1-161307258-C-A. GRCh37 (hg19) VCF-style: chr1-161277048-C-A.
Other names: c.234G>T, p.Ser78= (NM_001315491.2).
Identifiers: ClinVar variation 2964034 (VCV002964034.3), dbSNP rs368149365, ClinGen allele CA1210209.
Genomic context (GRCh38, chr1:161,307,258, plus strand): 5'-TTTTGTTGTTCTTTGAAGCACTTTCTGTTATCCAACCCCAGGATTCCCCCAGGCACTCAC[C>A]GAAATGGCATCTCTGCCCCCTTCGGGCTGGTAGCGCCAGGTGAAGGAGATGTCATCTGAG-3'
Protein context (NP_000521.2, residues 68-88): YQPEGGRDAI[Ser78=]IFHYAKGQPY

ClinVar aggregate classification (germline): Uncertain significance (1 of 4 stars; one submission).

Conditions:
Charcot-Marie-Tooth disease, type I (CMT1). Also called: Charcot-Marie-Tooth disease type 1; Charcot-Marie-Tooth, Type 1. Identifiers: Orphanet 65753, MedGen C0751036, MONDO:0019011.

Allele frequency attached by ClinVar (database versions not stated): 1000 Genomes Project 30x 0.00031; 1000 Genomes Project 0.00040.

Submission:

Labcorp Genetics (formerly Invitae), Labcorp
Classification: Uncertain significance for Charcot-Marie-Tooth disease, type I. Last evaluated: 2024-08-21. Review status: criteria provided, single submitter. Criteria: Invitae Variant Classification Sherloc (09022015). Collection method: clinical testing. Allele origin: germline.
Comment: This sequence change affects codon 78 of the MPZ mRNA. It is a 'silent' change, meaning that it does not change the encoded amino acid sequence of the MPZ protein. This variant also falls at the last nucleotide of exon 2, which is part of the consensus splice site for this exon. This variant is present in population databases (rs368149365, gnomAD 0.003%). This variant has not been reported in the literature in individuals affected with MPZ-related conditions. Variants that disrupt the consensus splice site are a relatively common cause of aberrant splicing (PMID: 17576681, 9536098). Algorithms developed to predict the effect of sequence changes on RNA splicing suggest that this variant is not likely to affect RNA splicing. In summary, the available evidence is currently insufficient to determine the role of this variant in disease. Therefore, it has been classified as a Variant of Uncertain Significance.

Literature cited by the submitters: PubMed 17576681; PubMed 9536098.